The following is an entry in ClinVar:

NM_014714.4(IFT140):c.4302C>T (p.Thr1434=)

Gene: IFT140 (intraflagellar transport 140; minus strand). Cytogenetic location: 16p13.3.
Variant type: single nucleotide variant.
Coding change: c.4302C>T on transcript NM_014714.4 (MANE Select); coding-DNA position 4302, C replaced by T.
Protein change: p.Thr1434=; no amino-acid change (threonine 1434 retained).
Molecular consequence: synonymous variant.
Genome position (GRCh38, 1-based): chr16:1,511,031, G>A on the plus strand (C>T on the coding strand, the complement: IFT140 is on the minus strand). VCF-style: chr16-1511031-G-A. GRCh37 (hg19) VCF-style: chr16-1561032-G-A.
Other names: c.4302C>T (NM_014714.3).
Identifiers: ClinVar variation 1141021 (VCV001141021.13), dbSNP rs774573860, ClinGen allele CA7812792.
Genomic context (GRCh38, chr16:1,511,031, plus strand): 5'-CACCTCCTCGTCCAGCTCCCTGGCGTCCTCCATGCTGTTGTGGCGGACCTGCTCGGGGAC[G>A]GTGCGTGGCAGTGGGAGACCCAGCCCCCGGTGCACGGCGTCCACGGCCTGCGGGCTCACG-3'
Protein context (NP_055529.2, residues 1424-1444): HRGLGLPLPR[Thr1434=]VPEQVRHNSM

ClinVar aggregate classification (germline): Likely benign. Review status: criteria provided, multiple submitters, no conflicts (2 of 4 stars). 4 submissions from 4 submitters: Likely benign (3). 1 of the submissions does not count toward it. Last evaluated 2026-01-24.

Conditions:
IFT140-related disorder. Also called: IFT140-related condition.
Saldino-Mainzer syndrome (SRTD9). Also called: short-rib thoracic dysplasia 9 with or without polydactyly; Renal dysplasia, retinal pigmentary dystrophy, cerebellar ataxia and skeletal dysplasia; CONORENAL SYNDROME; SHORT-RIB THORACIC DYSPLASIA 9 WITHOUT POLYDACTYLY. Identifiers: Orphanet 140969, MedGen C1849437, MONDO:0009964, OMIM 266920.
Retinal dystrophy. Also called: Inherited retinal dystrophy. Identifiers: Orphanet 71862, MedGen C0854723, MeSH D058499, MONDO:0019118, HP:0000556.

Allele frequency attached by ClinVar (database versions not stated): gnomAD 0.00002; gnomAD exomes 0.00002; ExAC 0.00003; TOPMed 0.00004.
gnomAD v4.1: 51 of 1,604,426 alleles (0.0032%); highest among the groups gnomAD compares: East Asian, 0.011%; no homozygotes.

Submissions (4):

Labcorp Genetics (formerly Invitae), Labcorp
Classification: Likely benign for Saldino-Mainzer syndrome. Last evaluated: 2026-01-24. Review status: criteria provided, single submitter. Criteria: Invitae Variant Classification Sherloc (09022015). Collection method: clinical testing. Allele origin: germline.

Blueprint Genetics
Classification: Likely benign. Last evaluated: 2024-08-02. Review status: criteria provided, single submitter. Criteria: ACMG Guidelines, 2015. Collection method: clinical testing. Allele origin: germline.

Dept Of Ophthalmology, Nagoya University
Classification: Likely benign for Retinal dystrophy. Last evaluated: 2023-10-01. Review status: criteria provided, single submitter. Criteria: Submitter's publication. Collection method: research. Allele origin: germline. Affected: yes.

PreventionGenetics, part of Exact Sciences
Classification: Likely benign for IFT140-related condition. Last evaluated: 2022-08-06. Review status: no assertion criteria provided. Collection method: clinical testing. Allele origin: germline. Not counted in ClinVar's aggregate classification.
Comment: This variant is classified as likely benign based on ACMG/AMP sequence variant interpretation guidelines (Richards et al. 2015 PMID: 25741868, with internal and published modifications).